The following is an entry in ClinVar:

NM_001034853.2(RPGR):c.1286C>T (p.Pro429Leu)

Gene: RPGR (retinitis pigmentosa GTPase regulator; minus strand). Cytogenetic location: Xp11.4.
Variant type: single nucleotide variant.
Coding change: c.1286C>T on transcript NM_001034853.2 (MANE Select); coding-DNA position 1286, C replaced by T.
Protein change: p.Pro429Leu; replaces proline 429 with leucine.
Molecular consequence: missense variant. On other transcripts: non-coding transcript variant (6).
Genome position (GRCh38, 1-based): chrX:38,297,412, G>A on the plus strand (C>T on the coding strand, the complement: RPGR is on the minus strand). VCF-style: chrX-38297412-G-A. GRCh37 (hg19) VCF-style: chrX-38156665-G-A.
Other names: c.1286C>T, p.Pro429Leu (NM_000328.3, NM_001367247.1); c.1283C>T, p.Pro428Leu (NM_001367245.1, NM_001367249.1, NM_001367250.1); c.1100C>T, p.Pro367Leu (NM_001367246.1, NM_001367251.1); c.1316C>T, p.Pro439Leu (NM_001367248.1); short protein forms P367L, P428L, P429L, P439L.
Identifiers: ClinVar variation 838732 (VCV000838732.10), dbSNP rs2067408372, ClinGen allele CA412739604.
Genomic context (GRCh38, chrX:38,297,412, plus strand): 5'-CGTGGAAAGACTGAATTGGGGAGAAAACAAGCAGAAAGGCCAAGAGTCCCTTCTATTGGA[G>A]GTAGTGTTCTCCTCATTGAAAAAGAATCTGGAGACCTCTCCTTTAAAATAAGCAGGTTAA-3'
Protein context (NP_001030025.1, residues 419-439): PDSFSMRRTL[Pro429Leu]PIEGTLGLSA

ClinVar aggregate classification (germline): Uncertain significance. Review status: criteria provided, multiple submitters, no conflicts (2 of 4 stars). 4 submissions from 4 submitters: Uncertain significance (4). Last evaluated 2025-09-23.

Conditions:
RPGR-related retinopathy. Also called: RPGR retinopathy. Identifiers: MedGen CN305589, MONDO:0100437.
Primary ciliary dyskinesia. Also called: Ciliary dyskinesia. Identifiers: Orphanet 244, MedGen C0008780, MONDO:0016575, HP:0012265.

Allele frequency attached by ClinVar (database versions not stated): gnomAD exomes below 0.00001.

Submissions (4):

Myriad Genetics, Inc.
Classification: Uncertain significance for RPGR-related retinopathy. Last evaluated: 2025-09-23. Review status: criteria provided, single submitter. Criteria: Myriad Autosomal Dominant, Autosomal Recessive and X-Linked Classification Criteria (2023). Collection method: clinical testing. Allele origin: unknown.
Comment: NM_000328.2(RPGR):c.1286C>T(P429L) is a missense variant classified as a variant of uncertain significance in the context of X-linked retinal dystrophy, RPGR-related. P429L has been observed in a case with relevant disease (PMID: 35892439). Relevant functional assessments of this variant are not available in the literature. P429L has not been observed in referenced population frequency databases. In summary, there is insufficient evidence to classify NM_000328.2(RPGR):c.1286C>T(P429L) as pathogenic or benign. Please note: this variant was assessed in the context of healthy population screening.

Blueprint Genetics
Classification: Uncertain significance. Last evaluated: 2023-10-04. Review status: criteria provided, single submitter. Criteria: ACMG Guidelines, 2015. Collection method: clinical testing. Allele origin: germline.

Women's Health and Genetics/Laboratory Corporation of America, LabCorp
Classification: Uncertain significance. Last evaluated: 2023-07-19. Review status: criteria provided, single submitter. Criteria: LabCorp Variant Classification Summary - May 2015. Collection method: clinical testing. Allele origin: germline.
Comment: Variant summary: RPGR c.1286C>T (p.Pro429Leu) results in a non-conservative amino acid change in the encoded protein sequence. Four of five in-silico tools predict a damaging effect of the variant on protein function. The variant was absent in 183119 control chromosomes. The available data on variant occurrences in the general population are insufficient to allow any conclusion about variant significance. c.1286C>T has been reported in the literature in a hemizygous individual affected with unilateral Retinitis Pigmentosa, X-Linked (Milibari_2022). This report does not provide unequivocal conclusions about association of the variant with Retinitis Pigmentosa, X-Linked. To our knowledge, no experimental evidence demonstrating an impact on protein function has been reported. The following publication has been ascertained in the context of this evaluation (PMID: 35892439). One submitter has cited clinical-significance assessments for this variant to ClinVar after 2014 and has classified the variant as uncertain significance. Based on the evidence outlined above, the variant was classified as uncertain significance.

Labcorp Genetics (formerly Invitae), Labcorp
Classification: Uncertain significance for Primary ciliary dyskinesia. Last evaluated: 2022-01-28. Review status: criteria provided, single submitter. Criteria: Invitae Variant Classification Sherloc (09022015). Collection method: clinical testing. Allele origin: germline.
Comment: This sequence change replaces proline, which is neutral and non-polar, with leucine, which is neutral and non-polar, at codon 429 of the RPGR protein (p.Pro429Leu). This variant is not present in population databases (gnomAD no frequency). This variant has not been reported in the literature in individuals affected with RPGR-related conditions. ClinVar contains an entry for this variant (Variation ID: 838732). Algorithms developed to predict the effect of missense changes on protein structure and function are either unavailable or do not agree on the potential impact of this missense change (SIFT: "Deleterious"; PolyPhen-2: "Probably Damaging"; Align-GVGD: "Class C0"). In summary, the available evidence is currently insufficient to determine the role of this variant in disease. Therefore, it has been classified as a Variant of Uncertain Significance.

Literature cited by the submitters: PubMed 35892439 (cited by Myriad Genetics, Inc. and Women's Health and Genetics/Laboratory Corporation of America, LabCorp).